The following is an entry in ClinVar:

NM_030753.5(WNT3):c.530A>T (p.Glu177Val)

Genes: LRRC37A2 (leucine rich repeat containing 37 member A2), WNT3 (Wnt family member 3; minus strand). Cytogenetic location: 17q21.31.
Variant type: single nucleotide variant.
Coding change: c.530A>T on transcript NM_030753.5 (MANE Select); coding-DNA position 530, A replaced by T.
Protein change: p.Glu177Val; replaces glutamic acid 177 with valine.
Molecular consequence: missense variant.
Genome position (GRCh38, 1-based): chr17:46,769,841, T>A on the plus strand (A>T on the coding strand, the complement: WNT3 is on the minus strand). VCF-style: chr17-46769841-T-A. GRCh37 (hg19) VCF-style: chr17-44847207-T-A.
Other names: short protein forms E177V.
Identifiers: ClinVar variation 3665092 (VCV003665092.2).
Genomic context (GRCh38, chr17:46,769,841, plus strand): 5'-ACCGTGCGGCCCGCCTCGTTGTTGTGCTTGTTCATGGCCGAGCGCGCGTCCGGCCTGTTC[T>A]CGCGCGCATCCGCGAACTCCCTGGACACTAACACGCCGAAGTCAGCGTCCTCGCTGCAGC-3'
Protein context (NP_110380.1, residues 167-187): LVSREFADAR[Glu177Val]NRPDARSAMN

ClinVar aggregate classification (germline): Uncertain significance (1 of 4 stars; one submission).

Submission:

Labcorp Genetics (formerly Invitae), Labcorp
Classification: Uncertain significance. Last evaluated: 2024-09-16. Review status: criteria provided, single submitter. Criteria: Invitae Variant Classification Sherloc (09022015). Collection method: clinical testing. Allele origin: germline.
Comment: This sequence change replaces glutamic acid, which is acidic and polar, with valine, which is neutral and non-polar, at codon 177 of the WNT3 protein (p.Glu177Val). This variant is not present in population databases (gnomAD no frequency). This variant has not been reported in the literature in individuals affected with WNT3-related conditions. Invitae Evidence Modeling of protein sequence and biophysical properties (such as structural, functional, and spatial information, amino acid conservation, physicochemical variation, residue mobility, and thermodynamic stability) indicates that this missense variant is not expected to disrupt WNT3 protein function with a negative predictive value of 80%. In summary, the available evidence is currently insufficient to determine the role of this variant in disease. Therefore, it has been classified as a Variant of Uncertain Significance.